The following is an entry in ClinVar:

ClinVar aggregate classification (germline): Likely pathogenic (1 of 4 stars; one submission).

Conditions:
Familial dysautonomia. Also called: HSAN III; FD. Identifiers: Orphanet 1764, MedGen C0013364, MONDO:0009131, OMIM 223900. Disease mechanism: loss of function.

Submission:

Natera, Inc.
Classification: Likely pathogenic for Familial dysautonomia. Last evaluated: 2024-08-20. Review status: criteria provided, single submitter. Criteria: Natera Variant Classification Schema (03/2026). Collection method: clinical testing. Allele origin: germline.
Comment: The c.1376_1389delCTGACCCTACAGTG variant in ELP1 is a frameshift variant predicted to shift the reading frame beginning at codon 459 and leads to a stop codon 11 codons downstream. This variant is expected to result in nonsense mediated decay, truncation, or a dysfunctional protein product. This variant is rare in the general population with a frequency below the threshold expected for the associated phenotype(s). Given the available evidence, this variant is classified as Likely Pathogenic.

NM_003640.5(ELP1):c.1376_1389del (p.Ala459fs)

Gene: ELP1 (elongator acetyltransferase complex subunit 1; minus strand). Cytogenetic location: 9q31.3.
Variant type: Deletion.
Coding change: c.1376_1389del on transcript NM_003640.5 (MANE Select); coding-DNA positions 1376 to 1389, 14 bases deleted (CTGACCCTACAGTG).
Protein change: p.Ala459fs; shifts the reading frame from alanine 459.
Molecular consequence: frameshift variant.
Genome position (GRCh38, 1-based): chr9:108,908,376-108,908,389, CACTGTAGGGTCAG deleted on the plus strand (CTGACCCTACAGTG on the coding strand, the reverse complement: ELP1 is on the minus strand); deleting any 14 consecutive bases within chr9:108,908,376-108,908,393 gives the same sequence; the c. name uses the placement nearest the transcript's 3' end. VCF-style (leftmost placement, unchanged base first): chr9-108908375-TCACTGTAGGGTCAG-T. GRCh37 (hg19) VCF-style: chr9-111670655-TCACTGTAGGGTCAG-T.
Other names: c.1034_1047del, p.Ala345fs (NM_001318360.2); c.329_342del, p.Ala110fs (NM_001330749.2); short protein forms A110fs, A345fs, A459fs.
Identifiers: ClinVar variation 4815172 (VCV004815172.1).
Genomic context (GRCh38, chr9:108,908,375, plus strand): 5'-TTTCCAAATGAGGAGTTCTAAGGCAAACTTTAAATCCACTTCCACCCACAGCTCCCAGTT[TCACTGTAGGGTCAG>T]CACTTGGACAATCACCTGGAAAACAAAAATGCAAATATTATCATCGTAAATTATAAGATT-3'